The following is an entry in ClinVar:

ClinVar aggregate classification (germline): Benign. Review status: criteria provided, multiple submitters, no conflicts (2 of 4 stars). 3 submissions from 3 submitters: Benign (3). Last evaluated 2018-07-09.

Conditions:
Dystonia 16 (DYT16). Also called: DYT-PRKRA. Identifiers: Orphanet 210571, MedGen C2677567, MONDO:0012789, OMIM 612067.

Allele frequency attached by ClinVar (database versions not stated): 1000 Genomes Project 30x 0.23017; gnomAD exomes 0.27408; gnomAD 0.21384 and 0.22479; 1000 Genomes Project 0.21486.
gnomAD v4.1: 171,038 of 651,902 alleles (26%); highest among the groups gnomAD compares: East Asian, 30%; 9 homozygotes.

Submissions (3):

GeneDx
Classification: Benign. Last evaluated: 2018-07-09. Review status: criteria provided, single submitter. Criteria: GeneDx Variant Classification Process June 2021. Collection method: clinical testing. Allele origin: germline. Affected: yes.

Illumina Laboratory Services, Illumina
Classification: Benign for Dystonia 16. Last evaluated: 2018-01-13. Review status: criteria provided, single submitter. Criteria: ICSL Variant Classification Criteria 13 December 2019. Collection method: clinical testing. Allele origin: germline.
Comment: This variant was observed in the ICSL laboratory as part of a predisposition screen in an ostensibly healthy population. It had not been previously curated by ICSL or reported in the Human Gene Mutation Database (HGMD: prior to June 1st, 2018), and was therefore a candidate for classification through an automated scoring system. Utilizing variant allele frequency, disease prevalence and penetrance estimates, and inheritance mode, an automated score was calculated to assess if this variant is too frequent to cause the disease. Based on the score and internal cut-off values, a variant classified as benign is not then subjected to further curation. The score for this variant resulted in a classification of benign for this disease.

Breakthrough Genomics
Classification: Benign. Review status: criteria provided, single submitter. Criteria: ACMG Guidelines, 2015. Collection method: not provided. Allele origin: germline. Inheritance: Autosomal recessive inheritance. Affected: yes.

NM_003690.5(PRKRA):c.*198C>T

Genes: CHROMR (cholesterol induced regulator of metabolism RNA; plus strand), PRKRA (protein activator of interferon induced protein kinase EIF2AK2; minus strand). Cytogenetic location: 2q31.2.
Variant type: single nucleotide variant.
Coding change: c.*198C>T on transcript NM_003690.5 (MANE Select); 198 bases downstream of the stop codon, C replaced by T.
Molecular consequence: 3 prime UTR variant.
Genome position (GRCh38, 1-based): chr2:178,431,899, G>A on the plus strand (C>T on the coding strand, the complement: PRKRA is on the minus strand). VCF-style: chr2-178431899-G-A. GRCh37 (hg19) VCF-style: chr2-179296626-G-A.
Other names: c.*198C>T (NM_001139517.2, NM_001139518.2, NM_001316362.2).
Identifiers: ClinVar variation 332615 (VCV000332615.9), dbSNP rs3997878, ClinGen allele CA10611980.
Genomic context (GRCh38, chr2:178,431,899, plus strand): 5'-TGCATGGCACTGTAAAATGGGTGCTACACTCTCTCTTGTGGTACAAAGTTTATAAATACA[G>A]TATACTGATACAAAGTTGAAGCCATTAAAAAGAGCTTAATAACAACTATGAGGAGATAAT-3'